The following is an entry in ClinVar:

ClinVar aggregate classification (germline): Uncertain significance. Review status: criteria provided, multiple submitters, no conflicts (2 of 4 stars). 8 submissions from 8 submitters: Uncertain significance (8). Last evaluated 2025-11-25.

Conditions:
Hereditary cancer-predisposing syndrome. Also called: Tumor predisposition; Neoplastic Syndromes, Hereditary; Hereditary Cancer Syndrome; Hereditary neoplastic syndrome. Identifiers: Orphanet 140162, MedGen C0027672, MeSH D009386, MONDO:0015356.
Fanconi anemia complementation group N. Also called: PALB2-Related Fanconi Anemia. Identifiers: Orphanet 84, MedGen C1835817, MONDO:0012565, OMIM 610832. Disease mechanism: loss of function.
Familial cancer of breast. Also called: hereditary breast carcinoma; BREAST CANCER, FAMILIAL; Hereditary breast cancer. Identifiers: Orphanet 227535, MedGen C0346153, MONDO:0016419, OMIM 114480. Disease mechanism: loss of function.
Pancreatic cancer, susceptibility to, 3. Identifiers: Orphanet 1333, MedGen C3150547, MONDO:0013236, OMIM 613348.

Allele frequency attached by ClinVar (database versions not stated): gnomAD 0.00001; gnomAD exomes 0.00001; TOPMed 0.00001.
gnomAD v4.1: 13 of 1,613,956 alleles (0.00081%); highest among the groups gnomAD compares: Middle Eastern, 0.016%; no homozygotes.

Submissions (8):

Ambry Genetics
Classification: Uncertain significance for Hereditary cancer-predisposing syndrome. Last evaluated: 2025-11-25. Review status: criteria provided, single submitter. Criteria: Ambry Variant Classification Scheme 2023. Collection method: clinical testing. Allele origin: germline.
Comment: The p.L1151F variant (also known as c.3451C>T), located in coding exon 13 of the PALB2 gene, results from a C to T substitution at nucleotide position 3451. The leucine at codon 1151 is replaced by phenylalanine, an amino acid with highly similar properties. This amino acid position is highly conserved in available vertebrate species. In addition, this alteration is predicted to be tolerated by in silico analysis. Since supporting evidence is limited at this time, the clinical significance of this alteration remains unclear.

Labcorp Genetics (formerly Invitae), Labcorp
Classification: Uncertain significance for Familial cancer of breast. Last evaluated: 2025-10-15. Review status: criteria provided, single submitter. Criteria: Invitae Variant Classification Sherloc (09022015). Collection method: clinical testing. Allele origin: germline.
Comment: This sequence change replaces leucine, which is neutral and non-polar, with phenylalanine, which is neutral and non-polar, at codon 1151 of the PALB2 protein (p.Leu1151Phe). This variant is present in population databases (rs786203462, gnomAD 0.002%). This missense change has been observed in individual(s) with breast and/or ovarian cancer (PMID: 35456488, 35610400). ClinVar contains an entry for this variant (Variation ID: 187089). An algorithm developed to predict the effect of missense changes on protein structure and function (PolyPhen-2) suggests that this variant is likely to be disruptive. In summary, the available evidence is currently insufficient to determine the role of this variant in disease. Therefore, it has been classified as a Variant of Uncertain Significance.

Color Diagnostics, LLC DBA Color Health
Classification: Uncertain significance for Hereditary cancer-predisposing syndrome. Last evaluated: 2025-02-18. Review status: criteria provided, single submitter. Criteria: ACMG Guidelines, 2015. Collection method: clinical testing. Allele origin: germline.
Comment: This missense variant replaces leucine with phenylalanine at codon 1151 of the PALB2 protein. Computational prediction is inconclusive regarding the impact of this variant on protein structure and function. To our knowledge, functional studies have not been reported for this variant. This variant has been reported in two individuals affected with breast, ovarian or pancreatic cancer (PMID: 35456488, 35610400). This variant has been identified in 2/251472 chromosomes in the general population by the Genome Aggregation Database (gnomAD). The available evidence is insufficient to determine the role of this variant in disease conclusively. Therefore, this variant is classified as a Variant of Uncertain Significance.

CeGaT Center for Human Genetics Tuebingen
Classification: Uncertain significance. Last evaluated: 2024-07-01. Review status: criteria provided, single submitter. Criteria: CeGaT Center For Human Genetics Tuebingen Variant Classification Criteria Version 2. Collection method: clinical testing. Allele origin: germline. Affected: yes. Observed: 1 variant allele.
Comment: PALB2: PM2, PS4:Supporting, BP1, BP4

Baylor Genetics
Classification: Uncertain significance for Familial cancer of breast. Last evaluated: 2023-05-16. Review status: criteria provided, single submitter. Criteria: ACMG Guidelines, 2015. Collection method: clinical testing. Allele origin: unknown.

Fulgent Genetics
Classification: Uncertain significance for Familial cancer of breast; Fanconi anemia complementation group N; Pancreatic cancer, susceptibility to, 3. Last evaluated: 2022-03-08. Review status: criteria provided, single submitter. Criteria: ACMG Guidelines, 2015. Collection method: clinical testing. Allele origin: unknown.

GeneDx
Classification: Uncertain significance. Last evaluated: 2021-08-11. Review status: criteria provided, single submitter. Criteria: GeneDx Variant Classification Process June 2021. Collection method: clinical testing. Allele origin: germline. Affected: yes.
Comment: Not observed at a significant frequency in large population cohorts (Lek 2016); In silico analysis supports that this missense variant has a deleterious effect on protein structure/function; Has not been previously published as pathogenic or benign to our knowledge; This variant is associated with the following publications: (PMID: 19609323, 20871615, 24485656)

Women's Health and Genetics/Laboratory Corporation of America, LabCorp
Classification: Uncertain significance. Last evaluated: 2016-08-01. Review status: criteria provided, single submitter. Criteria: LabCorp Variant Classification Summary - May 2015. Collection method: clinical testing. Allele origin: germline.
Comment: Variant summary: The PALB2 c.3451C>T (p.Leu1151Phe) variant involves the alteration of a conserved nucleotide. 3/5 in silico tools predict a damaging outcome. This variant is absent in 121358 control chromosomes. One clinical diagnostic laboratories has classified this variant as VUS. The variant of interest has not, to our knowledge, been reported in affected individuals via publications nor evaluated for functional impact by in vivo/vitro studies. Because of the absence of clinical information and the lack of functional studies, the variant was classified as a variant of uncertain significance (VUS) until additional information becomes available.

Literature cited by the submitters: PubMed 35456488 (cited by Labcorp Genetics (formerly Invitae), Labcorp and Color Diagnostics, LLC DBA Color Health); PubMed 35610400 (cited by Labcorp Genetics (formerly Invitae), Labcorp and Color Diagnostics, LLC DBA Color Health).

NM_024675.4(PALB2):c.3451C>T (p.Leu1151Phe)

Gene: PALB2 (partner and localizer of BRCA2; minus strand). Cytogenetic location: 16p12.2.
Variant type: single nucleotide variant.
Coding change: c.3451C>T on transcript NM_024675.4 (MANE Select); coding-DNA position 3451, C replaced by T.
Protein change: p.Leu1151Phe; replaces leucine 1151 with phenylalanine.
Molecular consequence: missense variant.
Genome position (GRCh38, 1-based): chr16:23,603,569, G>A on the plus strand (C>T on the coding strand, the complement: PALB2 is on the minus strand). VCF-style: chr16-23603569-G-A. GRCh37 (hg19) VCF-style: chr16-23614890-G-A.
Other names: short protein forms L1151F.
Identifiers: ClinVar variation 187089 (VCV000187089.44), dbSNP rs786203462, ClinGen allele CA196709.
Genomic context (GRCh38, chr16:23,603,569, plus strand): 5'-AATGAGAGTCTGTACCCGACCATTTCACAAAAGACCAATGTTGGTCAGAGACAGGTGGGA[G>A]GAGGGCAGTACACTGACCGAGAAGTAAGTCCCAAATGGCAATTGTTCCAGAAGTCAAGAT-3'
Protein context (NP_078951.2, residues 1141-1161): DLLLGQCTAL[Leu1151Phe]PPVSDQHWSF